The following continues an entry in ClinVar:

NM_007294.4(BRCA1):c.2183G>A (p.Arg728Lys)

Gene: BRCA1. ClinVar aggregate classification (germline): Conflicting classifications of pathogenicity. Uncertain significance (7); Likely benign (2).

Submissions 9 to 13 of 13:

GeneDx
Classification: Uncertain significance. Last evaluated: 2015-10-31. Review status: criteria provided, single submitter. Criteria: GeneDx Variant Classification (06012015). Collection method: clinical testing. Allele origin: germline. Affected: yes.
Comment: This variant is denoted BRCA1 c.2183G>A at the cDNA level, p.Arg728Lys (R728K) at the protein level, and results in the change of an Arginine to a Lysine (AGA>AAA). Using alternate nomenclature, this variant would be defined as BRCA1 2302G>A. This variant has been predicted likely neutral based on interspecific sequence variation (Abkevich 2004). BRCA1 Arg728Lys was not observed in approximately 6,500 individuals of European and African American ancestry in the NHLBI Exome Sequencing Project, suggesting it is not a common benign variant in these populations. Since Arginine and Lysine share similar properties, this is considered a conservative amino acid substitution. BRCA1 Arg728Lys occurs at a position that is not conserved and is located in the DNA binding domain (Narod 2004). In silico analyses predict that this variant is unlikely to alter protein structure or function. Based on currently available evidence, it is unclear whether BRCA1 Arg728Lys is a pathogenic or benign variant. We consider it to be a variant of uncertain significance.

Counsyl
Classification: Uncertain significance for Breast-ovarian cancer, familial, susceptibility to, 1. Last evaluated: 2017-03-15. Review status: no assertion criteria provided. Collection method: clinical testing. Allele origin: unknown. Not counted in ClinVar's aggregate classification.

Sharing Clinical Reports Project (SCRP)
Classification: Uncertain significance for Breast-ovarian cancer, familial 1. Last evaluated: 2012-06-12. Review status: no assertion criteria provided. Collection method: clinical testing. Allele origin: germline. Not counted in ClinVar's aggregate classification.

Breast Cancer Information Core (BIC) (BRCA1)
Classification: Uncertain significance for Breast-ovarian cancer, familial 1. Review status: no assertion criteria provided. Collection method: clinical testing. Allele origin: germline. Affected: yes. Observed: 1 variant allele. Not counted in ClinVar's aggregate classification.

Department of Pathology and Laboratory Medicine, Sinai Health System
Classification: Uncertain significance for Malignant tumor of breast. Review status: no assertion criteria provided. Collection method: clinical testing. Allele origin: unknown. Affected: yes. Study: The Canadian Open Genetics Repository (COGR). Not counted in ClinVar's aggregate classification.
Comment: The BRCA1 p.Arg728Lys variant identified in dbSNP (ID: rs80357335) as â€šÃ„ÃºWith Uncertain significance alleleâ€šÃ„Ã¹, ClinVar (as uncertain significance by Ambry Genetics, GeneDx, Color, Praxis, Counsyl, SCRP, and BIC), LOVD 3.0 (as "NA"), and UMD-LSDB (9x as uncertain significance). The variant was identified in control databases in 2 of 245450 chromosomes at a frequency of 0.000008 (Genome Aggregation Database Feb 27, 2017). The variant was observed in the European (Non-Finnish) population in 2 of 111322 chromosomes (freq: 0.000018), while the variant was not observed in the African, Other, Latino, Ashkenazi Jewish, East Asian, European (Finnish), and South Asian populations. The variant was reported in the literature as "likely to be neutral or of little clinical significance" by Abkevich (2004) and as "uncertain clinical significanceâ€šÃ„Ã¹ by Judkins (2005). The p.Arg728 residue is not conserved in mammals and computational analyses (PolyPhen-2, SIFT, AlignGVGD, BLOSUM, MutationTaster) do not suggest a high likelihood of impact to the protein; however, this information is not predictive enough to rule out pathogenicity. The variant occurs outside of the splicing consensus sequence and in silico or computational prediction software programs (SpliceSiteFinder, MaxEntScan, NNSPLICE, GeneSplicer) do not predict a difference in splicing. In summary, based on the above information the clinical significance of this variant cannot be determined with certainty at this time. This variant is classified as a variant of uncertain significance.

Literature cited by the submitters: PubMed 31131967 (cited by 4 submitters); PubMed 33471991 (cited by 3 submitters); PubMed 32885271 (cited by Quest Diagnostics Nichols Institute San Juan Capistrano); PubMed 31911673 (cited by Quest Diagnostics Nichols Institute San Juan Capistrano); PubMed 31853058 (cited by Quest Diagnostics Nichols Institute San Juan Capistrano); PubMed 15235020 (cited by Quest Diagnostics Nichols Institute San Juan Capistrano and Ambry Genetics).